The following is an entry in ClinVar:

GRCh37/hg19 14q32.2-32.33(chr14:101024609-107285437)x1

Genes: TEX22 (testis expressed 22; plus strand), TMEM121 (transmembrane protein 121; plus strand), ZNF839 (zinc finger protein 839; plus strand), XRCC3 (X-ray repair cross complementing 3; minus strand), ZBTB42 (zinc finger and BTB domain containing 42; plus strand) and 88 more. Cytogenetic location: 14q32.2-32.33.
Variant type: copy number loss.
Change: copy number 1 (one copy instead of two) of chr14:101,024,609-107,285,437 (6.26 Mb, GRCh37 coordinates, 1-based), cytogenetic band 14q32.2-32.33.
Identifiers: ClinVar variation 2685500 (VCV002685500.1).

ClinVar aggregate classification (germline): Pathogenic (1 of 4 stars; one submission).

Submission:

Quest Diagnostics Nichols Institute San Juan Capistrano
Classification: Pathogenic. Last evaluated: 2022-12-27. Review status: criteria provided, single submitter. Criteria: ACMG/ClinGen CNV Guidelines, 2019. Collection method: clinical testing. Allele origin: unknown.
Comment: Distal deletions of the long arm of chromosome 14 (14q) are relatively rare. Patients in medical literature show deletions of different sizes and variable features (Ortigas 1997; van Karnebeek 2002; Maurin 2006; Engels 2012; Holder 2012). Thus, based on the gene content and the current medical literature, this deletion is classified as pathogenic. References: Bena et al. Hum Mol Genet. 2010;19(10):1967-73. PMID: 20179077 Engels et al. Am J Med Genet A. 2012;158A(4):695-706. PMID: 22367666 Holder et al. Am J Med Genet A. 2012;158A(8):1962-6. PMID: 22488736 Maurin et al. Am J Med Genet A. 2006;140(21):2324-9. PMID: 17022077 Ortigas et al. J Med Genet. 1997;34(6):515-7. PMID: 9192277 van Karnebeek et al. Am J Med Genet. 2002;110(1):65-72. PMID: 12116274